The following is an entry in ClinVar:

ClinVar aggregate classification (germline): Conflicting classifications of pathogenicity. Review status: criteria provided, conflicting classifications (1 of 4 stars). 3 submissions from 3 submitters: Uncertain significance (1); Likely benign (2). Last evaluated 2025-12-10.

Conditions:
Cardiovascular phenotype. Identifiers: MedGen CN230736.
Familial hypobetalipoproteinemia 1. Also called: Hypobetalipoproteinemia, normotriglyceridemic; Acanthocytosis with hypobetalipoproteinemia; APOB-Related Familial Hypobetalipoproteinemia. Identifiers: MedGen C4551990, MONDO:0014252, OMIM 615558.
Hypercholesterolemia, autosomal dominant, type B (FHCL2). Also called: Familial Hypercholesterolemia Type B; HYPERCHOLESTEROLEMIA, FAMILIAL, DUE TO LIGAND-DEFECTIVE APOLIPOPROTEIN B; Familial hypercholesterolemia 2; APOB-Related Familial Hypercholesterolemia, Autosomal Dominant; APOLIPOPROTEIN B-100, FAMILIAL DEFECTIVE; APOLIPOPROTEIN B-100, FAMILIAL LIGAND-DEFECTIVE. Identifiers: MedGen C1704417, MONDO:0007751, OMIM 144010.

Allele frequency attached by ClinVar (database versions not stated): 1000 Genomes Project 30x 0.00031; gnomAD 0.00001; gnomAD exomes 0.00003 and 0.00007; TOPMed 0.00006; ExAC 0.00007; 1000 Genomes Project 0.00020.
gnomAD v4.1: 20 of 1,613,946 alleles (0.0012%); highest among the groups gnomAD compares: Admixed American, 0.033%; no homozygotes.

Submissions (3):

Labcorp Genetics (formerly Invitae), Labcorp
Classification: Likely benign for Familial hypobetalipoproteinemia 1; Hypercholesterolemia, autosomal dominant, type B. Last evaluated: 2025-12-10. Review status: criteria provided, single submitter. Criteria: Invitae Variant Classification Sherloc (09022015). Collection method: clinical testing. Allele origin: germline.

Ambry Genetics
Classification: Likely benign for Cardiovascular phenotype. Last evaluated: 2025-06-23. Review status: criteria provided, single submitter. Criteria: Ambry Variant Classification Scheme 2023. Collection method: clinical testing. Allele origin: germline.

GeneDx
Classification: Uncertain significance. Last evaluated: 2019-09-24. Review status: criteria provided, single submitter. Criteria: GeneDx Variant Classification Process June 2021. Collection method: clinical testing. Allele origin: germline. Affected: yes.
Comment: Has not been previously published as pathogenic or benign to our knowledge; In silico analysis, which includes protein predictors and evolutionary conservation, supports a deleterious effect

NM_000384.3(APOB):c.11162T>C (p.Ile3721Thr)

Gene: APOB (apolipoprotein B; minus strand). Cytogenetic location: 2p24.1.
Variant type: single nucleotide variant.
Coding change: c.11162T>C on transcript NM_000384.3 (MANE Select); coding-DNA position 11162, T replaced by C.
Protein change: p.Ile3721Thr; replaces isoleucine 3721 with threonine.
Molecular consequence: missense variant.
Genome position (GRCh38, 1-based): chr2:21,005,706, A>G on the plus strand (T>C on the coding strand, the complement: APOB is on the minus strand). VCF-style: chr2-21005706-A-G. GRCh37 (hg19) VCF-style: chr2-21228578-A-G.
Other names: short protein forms I3721T.
Identifiers: ClinVar variation 925609 (VCV000925609.10), dbSNP rs202213088, ClinGen allele CA045641.